The following is an entry in ClinVar:

ClinVar aggregate classification (germline): Uncertain significance (1 of 4 stars; one submission).

gnomAD v4.1: 716 of 1,614,184 alleles (0.044%); highest among the groups gnomAD compares: Non-Finnish European, 0.055%; no homozygotes.

Submission:

GeneDx
Classification: Uncertain significance. Last evaluated: 2024-08-08. Review status: criteria provided, single submitter. Criteria: GeneDx Variant Classification Process June 2021. Collection method: clinical testing. Allele origin: germline. Affected: yes.
Comment: In silico analysis suggests this variant may impact gene splicing. In the absence of RNA/functional studies, the actual effect of this sequence change is unknown.; Has not been previously published as pathogenic or benign to our knowledge

NM_021095.4(SLC5A6):c.45G>A (p.Ser15=)

Gene: SLC5A6 (solute carrier family 5 member 6; minus strand). Cytogenetic location: 2p23.3.
Variant type: single nucleotide variant.
Coding change: c.45G>A on transcript NM_021095.4 (MANE Select); coding-DNA position 45, G replaced by A.
Protein change: p.Ser15=; no amino-acid change (serine 15 retained).
Molecular consequence: synonymous variant. On other transcripts: non-coding transcript variant (1).
Genome position (GRCh38, 1-based): chr2:27,207,606, C>T on the plus strand (G>A on the coding strand, the complement: SLC5A6 is on the minus strand). VCF-style: chr2-27207606-C-T. GRCh37 (hg19) VCF-style: chr2-27430474-C-T.
Identifiers: ClinVar variation 3602968 (VCV003602968.1).
Genomic context (GRCh38, chr2:27,207,606, plus strand): 5'-CAGCAGGACGAACACCACATAGTCCATGATGGAGAAGGTAGACATGCCCACGCTTGTGCC[C>T]GAGGTTGGGGAAAGAGGGGCTGAGGTGCTCACCCCTACACTCATATCCTCACTGTGTCTG-3'
Protein context (NP_066918.2, residues 5-25): VSTSAPLSPT[Ser15=]GTSVGMSTFS